The following is an entry in ClinVar:

ClinVar aggregate classification (germline): Uncertain significance (1 of 4 stars; one submission).

Conditions:
Familial cancer of breast. Also called: Hereditary breast cancer; hereditary breast carcinoma; BREAST CANCER, FAMILIAL. Identifiers: Orphanet 227535, MedGen C0346153, MONDO:0016419, OMIM 114480. Disease mechanism: loss of function.

Submission:

Labcorp Genetics (formerly Invitae), Labcorp
Classification: Uncertain significance for Familial cancer of breast. Last evaluated: 2025-11-24. Review status: criteria provided, single submitter. Criteria: Invitae Variant Classification Sherloc (09022015). Collection method: clinical testing. Allele origin: germline.
Comment: This sequence change replaces histidine, which is basic and polar, with aspartic acid, which is acidic and polar, at codon 83 of the PALB2 protein (p.His83Asp). This variant is not present in population databases (gnomAD no frequency). This variant has not been reported in the literature in individuals affected with PALB2-related conditions. An algorithm developed to predict the effect of missense changes on protein structure and function (PolyPhen-2) suggests that this variant is likely to be tolerated. In summary, the available evidence is currently insufficient to determine the role of this variant in disease. Therefore, it has been classified as a Variant of Uncertain Significance.

NM_024675.4(PALB2):c.247C>G (p.His83Asp)

Gene: PALB2 (partner and localizer of BRCA2; minus strand). Cytogenetic location: 16p12.2.
Variant type: single nucleotide variant.
Coding change: c.247C>G on transcript NM_024675.4 (MANE Select); coding-DNA position 247, C replaced by G.
Protein change: p.His83Asp; replaces histidine 83 with aspartic acid.
Molecular consequence: missense variant. On other transcripts: 5 prime UTR variant (8), intron variant (3).
Genome position (GRCh38, 1-based): chr16:23,636,299, G>C on the plus strand (C>G on the coding strand, the complement: PALB2 is on the minus strand). VCF-style: chr16-23636299-G-C. GRCh37 (hg19) VCF-style: chr16-23647620-G-C.
Other names: c.187C>G, p.His63Asp (NM_001407296.1); c.247C>G, p.His83Asp (NM_001407297.1, NM_001407298.1, NM_001407299.1 and 3 more transcripts); c.-639C>G (NM_001407304.1, NM_001407305.1, NM_001407306.1 and 5 more transcripts); c.48+4811C>G (NM_001407314.1); c.-105+4811C>G (NM_001407313.1, NM_001407312.1); short protein forms H63D, H83D.
Identifiers: ClinVar variation 4731715 (VCV004731715.1).
Genomic context (GRCh38, chr16:23,636,299, plus strand): 5'-CAACATCAAGTGTGATAGATGTCTTTTCTCCAGTTTCTTCATCAAGATGGGTTTTGATGT[G>C]TAACTTGTCATAAACACATATTTTATTTTTAGGTTCTGAGGAGGAAAAAAATGTATATAA-3'
Protein context (NP_078951.2, residues 73-93): KNKICVYDKL[His83Asp]IKTHLDEETG